The following is an entry in ClinVar:

NM_006493.4(CLN5):c.705_706del (p.Leu236fs)

Gene: CLN5 (CLN5 lysosomal BMP synthase; plus strand). Cytogenetic location: 13q22.3.
Variant type: Microsatellite.
Coding change: c.705_706del on transcript NM_006493.4 (MANE Select); coding-DNA positions 705 to 706, 2 bases deleted (GT; older notation c.705_706delGT).
Protein change: p.Leu236fs; shifts the reading frame from leucine 236.
Molecular consequence: frameshift variant. On other transcripts: 3 prime UTR variant (1).
Genome position (GRCh38, 1-based): chr13:77,000,597-77,000,598, GT deleted; deleting any 2 consecutive bases within chr13:77,000,594-77,000,598 gives the same sequence; the c. name uses the placement nearest the transcript's 3' end. VCF-style (leftmost placement, unchanged base first): chr13-77000593-TTG-T. GRCh37 (hg19) VCF-style: chr13-77574728-TTG-T.
Other names: c.*152GT[1] (NM_001366624.2); short protein forms L236fs.
Identifiers: ClinVar variation 558374 (VCV000558374.9), dbSNP rs1555274343, ClinGen allele CA658823727.

ClinVar aggregate classification (germline): Pathogenic. Review status: criteria provided, single submitter (1 of 4 stars). 2 submissions from 2 submitters: Pathogenic (1). 1 of the submissions does not count toward it. Last evaluated 2021-01-28.

Conditions:
Neuronal ceroid lipofuscinosis 5 (CLN5). Also called: CEROID LIPOFUSCINOSIS, NEURONAL, 5, VARIABLE AGE AT ONSET; Neuronal ceroid lipofuscinosis Finnish variant; NEURONAL CEROID LIPOFUSCINOSIS, LATE INFANTILE, FINNISH VARIANT; CLN5-Related Neuronal Ceroid-Lipofuscinosis. Identifiers: Orphanet 168491, Orphanet 228360, MedGen C1850442, MONDO:0009745, OMIM 256731.
Neuronal ceroid lipofuscinosis. Also called: Neuronal Ceroid Lipofuscinoses. Identifiers: Orphanet 216, Orphanet 79263, MedGen C0027877, MONDO:0016295. Disease mechanism: loss of function.

Submissions (2):

Labcorp Genetics (formerly Invitae), Labcorp
Classification: Pathogenic for Neuronal ceroid lipofuscinosis. Last evaluated: 2021-01-28. Review status: criteria provided, single submitter. Criteria: Invitae Variant Classification Sherloc (09022015). Collection method: clinical testing. Allele origin: germline.
Comment: This variant disrupts the C-terminus of the CLN5 protein. Other variant(s) that disrupt this region (p.Tyr392*) have been determined to be pathogenic (PMID: 9662406, Invitae). This suggests that variants that disrupt this region of the protein are likely to be causative of disease. For these reasons, this variant has been classified as Pathogenic. This variant has not been reported in the literature in individuals with CLN5-related conditions. ClinVar contains an entry for this variant (Variation ID: 558374). This variant is not present in population databases (ExAC no frequency). This sequence change creates a premature translational stop signal (p.Leu285Lysfs*4) in the CLN5 gene. While this is not anticipated to result in nonsense mediated decay, it is expected to disrupt the last 123 amino acid(s) of the CLN5 protein.

Counsyl
Classification: Likely pathogenic for Neuronal ceroid lipofuscinosis 5. Last evaluated: 2018-05-16. Review status: no assertion criteria provided. Collection method: clinical testing. Allele origin: unknown. Not counted in ClinVar's aggregate classification.

Literature cited by the submitters: PubMed 9662406 (cited by Labcorp Genetics (formerly Invitae), Labcorp).